The following is an entry in ClinVar:

NM_001292063.2(OTOG):c.2350A>C (p.Thr784Pro)

Gene: OTOG (otogelin; plus strand). Cytogenetic location: 11p15.1.
Variant type: single nucleotide variant.
Coding change: c.2350A>C on transcript NM_001292063.2 (MANE Select); coding-DNA position 2350, A replaced by C.
Protein change: p.Thr784Pro; replaces threonine 784 with proline.
Molecular consequence: missense variant.
Genome position (GRCh38, 1-based): chr11:17,574,776, A>C. VCF-style: chr11-17574776-A-C. GRCh37 (hg19) VCF-style: chr11-17596323-A-C.
Other names: c.2386A>C (NM_001277269.1); c.2386A>C, p.Thr796Pro (NM_001277269.2); short protein forms T796P, T784P.
Identifiers: ClinVar variation 930160 (VCV000930160.15), dbSNP rs778687487, ClinGen allele CA5905616.

ClinVar aggregate classification (germline): Conflicting classifications of pathogenicity. Review status: criteria provided, conflicting classifications (1 of 4 stars). 5 submissions from 5 submitters: Uncertain significance (3); Likely benign (2). Last evaluated 2026-07-28.

Conditions:
OTOG-related disorder. Also called: OTOG-related condition.

Allele frequency attached by ClinVar (database versions not stated): TOPMed 0.00017; gnomAD 0.00021 and 0.00023; gnomAD exomes 0.00028 and 0.00039; ExAC 0.00031.
gnomAD v4.1: 568 of 1,550,524 alleles (0.037%); highest among the groups gnomAD compares: Non-Finnish European, 0.042%; 1 homozygote.

Submissions (5):

GeneDx
Classification: Uncertain significance. Last evaluated: 2026-07-28. Review status: criteria provided, single submitter. Criteria: GeneDx Variant Classification Process June 2021. Collection method: clinical testing. Allele origin: germline.
Comment: In silico analysis supports that this missense variant has a deleterious effect on protein structure/function; Has not been previously published as pathogenic or benign to our knowledge

PreventionGenetics, part of Exact Sciences
Classification: Likely benign for OTOG-related condition. Last evaluated: 2025-11-16. Review status: criteria provided, single submitter. Criteria: ACMG Guidelines, 2015. Collection method: clinical testing. Allele origin: germline.
Comment: This variant is classified as likely benign based on ACMG/AMP sequence variant interpretation guidelines (Richards et al. 2015 PMID: 25741868, with internal and published modifications).

Labcorp Genetics (formerly Invitae), Labcorp
Classification: Likely benign. Last evaluated: 2025-08-26. Review status: criteria provided, single submitter. Criteria: Invitae Variant Classification Sherloc (09022015). Collection method: clinical testing. Allele origin: germline.

Blueprint Genetics
Classification: Uncertain significance. Last evaluated: 2024-10-24. Review status: criteria provided, single submitter. Criteria: ACMG Guidelines, 2015. Collection method: clinical testing. Allele origin: germline.

Laboratory for Molecular Medicine, Mass General Brigham Personalized Medicine
Classification: Uncertain significance. Last evaluated: 2020-02-11. Review status: criteria provided, single submitter. Criteria: LMM Criteria. Collection method: clinical testing. Allele origin: germline. Observed: 1 variant allele.
Comment: Variant classified as Uncertain Significance - Favor Benign. The p.Thr796Pro variant in OTOG has not been previously reported in individuals with hearing loss has been identified in 0.27% (23/8656) of Ashkenazi Jewish chromosomes by gnomAD. Computational prediction tools and conservation analysis do not provide strong support for or against an impact to the protein. In summary, the clinical significance of the p.Thr796Pro variant is uncertain but we would lean towards a benign interpretation based on allele frequency. ACMG/AMP Criteria applied: BS1_Supporting.